The following is an entry in ClinVar:

NM_003482.4(KMT2D):c.2731C>T (p.Leu911=)

Gene: KMT2D (lysine methyltransferase 2D; minus strand). Cytogenetic location: 12q13.12.
Variant type: single nucleotide variant.
Coding change: c.2731C>T on transcript NM_003482.4 (MANE Select); coding-DNA position 2731, C replaced by T.
Protein change: p.Leu911=; no amino-acid change (leucine 911 retained).
Molecular consequence: synonymous variant.
Genome position (GRCh38, 1-based): chr12:49,050,952, G>A on the plus strand (C>T on the coding strand, the complement: KMT2D is on the minus strand). VCF-style: chr12-49050952-G-A. GRCh37 (hg19) VCF-style: chr12-49444735-G-A.
Identifiers: ClinVar variation 2183591 (VCV002183591.11), dbSNP rs751936279, ClinGen allele CA6548201.

ClinVar aggregate classification (germline): Likely benign. Review status: criteria provided, multiple submitters, no conflicts (2 of 4 stars). 3 submissions from 3 submitters: Likely benign (3). Last evaluated 2025-12-01.

Conditions:
Kabuki syndrome. Also called: NIIKAWA-KUROKI SYNDROME; Kabuki make-up syndrome. Identifiers: Orphanet 2322, MedGen C0796004, MONDO:0016512.

Allele frequency attached by ClinVar (database versions not stated): TOPMed below 0.00001; gnomAD 0.00002; ExAC 0.00004.
gnomAD v4.1: 41 of 1,545,866 alleles (0.0027%); highest among the groups gnomAD compares: South Asian, 0.049%; 1 homozygote.

Submissions (3):

CeGaT Center for Human Genetics Tuebingen
Classification: Likely benign. Last evaluated: 2025-12-01. Review status: criteria provided, single submitter. Criteria: CeGaT Center For Human Genetics Tuebingen Variant Classification Criteria Version 2. Collection method: clinical testing. Allele origin: germline. Affected: yes. Observed: 1 variant allele.
Comment: KMT2D: BP4, BP7

Labcorp Genetics (formerly Invitae), Labcorp
Classification: Likely benign for Kabuki syndrome. Last evaluated: 2024-11-19. Review status: criteria provided, single submitter. Criteria: Invitae Variant Classification Sherloc (09022015). Collection method: clinical testing. Allele origin: germline.

Blueprint Genetics
Classification: Likely benign. Last evaluated: 2023-10-04. Review status: criteria provided, single submitter. Criteria: ACMG Guidelines, 2015. Collection method: clinical testing. Allele origin: germline.